The following is an entry in ClinVar:

NM_080680.3(COL11A2):c.63C>A (p.Ser21Arg)

Gene: COL11A2 (collagen type XI alpha 2 chain; minus strand). Cytogenetic location: 6p21.32.
Variant type: single nucleotide variant.
Coding change: c.63C>A on transcript NM_080680.3 (MANE Select); coding-DNA position 63, C replaced by A.
Protein change: p.Ser21Arg; replaces serine 21 with arginine.
Molecular consequence: missense variant. On other transcripts: intron variant (1).
Genome position (GRCh38, 1-based): chr6:33,192,178, G>T on the plus strand (C>A on the coding strand, the complement: COL11A2 is on the minus strand). VCF-style: chr6-33192178-G-T. GRCh37 (hg19) VCF-style: chr6-33159955-G-T.
Other names: c.63C>A, p.Ser21Arg (NM_001163771.2, NM_001424108.1, NM_080679.3 and 1 more transcripts); c.-765+847C>A (NM_001424111.1); short protein forms S21R.
Identifiers: ClinVar variation 2884850 (VCV002884850.3), dbSNP rs1161862605, ClinGen allele CA363614912.

ClinVar aggregate classification (germline): Uncertain significance (1 of 4 stars; one submission).

Submission:

Labcorp Genetics (formerly Invitae), Labcorp
Classification: Uncertain significance. Last evaluated: 2023-04-01. Review status: criteria provided, single submitter. Criteria: Invitae Variant Classification Sherloc (09022015). Collection method: clinical testing. Allele origin: germline.
Comment: This sequence change replaces serine, which is neutral and polar, with arginine, which is basic and polar, at codon 21 of the COL11A2 protein (p.Ser21Arg). This variant is not present in population databases (gnomAD no frequency). This variant has not been reported in the literature in individuals affected with COL11A2-related conditions. Advanced modeling of protein sequence and biophysical properties (such as structural, functional, and spatial information, amino acid conservation, physicochemical variation, residue mobility, and thermodynamic stability) performed at Invitae indicates that this missense variant is not expected to disrupt COL11A2 protein function. In summary, the available evidence is currently insufficient to determine the role of this variant in disease. Therefore, it has been classified as a Variant of Uncertain Significance.